The following is an entry in ClinVar:

ClinVar aggregate classification (germline): Uncertain significance (1 of 4 stars; one submission).

Conditions:
Jeune thoracic dystrophy. Also called: Jeune syndrome; Infantile thoracic dystrophy; Thoracic pelvic phalangeal dystrophy; Jeune's syndrome; Chondroectodermal dysplasia-like syndrome; Short-rib thoracic dysplasia. Identifiers: Orphanet 474, MedGen C0265275, MONDO:0018770.
Nephronophthisis. Also called: Juvenile Nephronophthisis. Identifiers: Orphanet 655, MedGen C0687120, MONDO:0019005, HP:0000090.

Allele frequency attached by ClinVar (database versions not stated): ExAC 0.00001.
gnomAD v4.1: 6 of 1,614,142 alleles (0.00037%); highest among the groups gnomAD compares: Non-Finnish European, 0.00042%; no homozygotes.

Submission:

Labcorp Genetics (formerly Invitae), Labcorp
Classification: Uncertain significance for Jeune thoracic dystrophy; Nephronophthisis. Last evaluated: 2022-04-28. Review status: criteria provided, single submitter. Criteria: Invitae Variant Classification Sherloc (09022015). Collection method: clinical testing. Allele origin: germline.
Comment: In summary, the available evidence is currently insufficient to determine the role of this variant in disease. Therefore, it has been classified as a Variant of Uncertain Significance. Algorithms developed to predict the effect of missense changes on protein structure and function are either unavailable or do not agree on the potential impact of this missense change (SIFT: "Deleterious"; PolyPhen-2: "Benign"; Align-GVGD: "Class C0"). This variant has not been reported in the literature in individuals affected with TTC21B-related conditions. This variant is present in population databases (rs767048001, gnomAD 0.002%). This sequence change replaces arginine, which is basic and polar, with isoleucine, which is neutral and non-polar, at codon 597 of the TTC21B protein (p.Arg597Ile).

NM_024753.5(TTC21B):c.1790G>T (p.Arg597Ile)

Gene: TTC21B (tetratricopeptide repeat domain 21B; minus strand). Cytogenetic location: 2q24.3.
Variant type: single nucleotide variant.
Coding change: c.1790G>T on transcript NM_024753.5 (MANE Select); coding-DNA position 1790, G replaced by T.
Protein change: p.Arg597Ile; replaces arginine 597 with isoleucine.
Molecular consequence: missense variant.
Genome position (GRCh38, 1-based): chr2:165,917,366, C>A on the plus strand (G>T on the coding strand, the complement: TTC21B is on the minus strand). VCF-style: chr2-165917366-C-A. GRCh37 (hg19) VCF-style: chr2-166773876-C-A.
Other names: short protein forms R597I.
Identifiers: ClinVar variation 2193433 (VCV002193433.4), dbSNP rs767048001, ClinGen allele CA1942017.